The following is an entry in ClinVar:

ClinVar aggregate classification (germline): Uncertain significance (1 of 4 stars; one submission).

Conditions:
Combined oxidative phosphorylation defect type 27. Also called: Combined oxidative phosphorylation deficiency 27. Identifiers: Orphanet 477774, MedGen C5567608, MONDO:0014728, OMIM 616672.

Allele frequency attached by ClinVar (database versions not stated): gnomAD exomes below 0.00001; ExAC 0.00001; TOPMed 0.00001.
gnomAD v4.1: 6 of 1,612,970 alleles (0.00037%); highest among the groups gnomAD compares: Middle Eastern, 0.017%; no homozygotes.

Submission:

Labcorp Genetics (formerly Invitae), Labcorp
Classification: Uncertain significance for Combined oxidative phosphorylation defect type 27. Last evaluated: 2025-09-02. Review status: criteria provided, single submitter. Criteria: Invitae Variant Classification Sherloc (09022015). Collection method: clinical testing. Allele origin: germline.
Comment: This sequence change replaces isoleucine, which is neutral and non-polar, with leucine, which is neutral and non-polar, at codon 179 of the CARS2 protein (p.Ile179Leu). This variant is present in population databases (rs751237567, gnomAD 0.003%). This variant has not been reported in the literature in individuals affected with CARS2-related conditions. ClinVar contains an entry for this variant (Variation ID: 1040925). Invitae Evidence Modeling of protein sequence and biophysical properties (such as structural, functional, and spatial information, amino acid conservation, physicochemical variation, residue mobility, and thermodynamic stability) indicates that this missense variant is not expected to disrupt CARS2 protein function with a negative predictive value of 80%. In summary, the available evidence is currently insufficient to determine the role of this variant in disease. Therefore, it has been classified as a Variant of Uncertain Significance.

NM_024537.4(CARS2):c.535A>C (p.Ile179Leu)

Gene: CARS2 (cysteinyl-tRNA synthetase 2, mitochondrial; minus strand). Cytogenetic location: 13q34.
Variant type: single nucleotide variant.
Coding change: c.535A>C on transcript NM_024537.4 (MANE Select); coding-DNA position 535, A replaced by C.
Protein change: p.Ile179Leu; replaces isoleucine 179 with leucine.
Molecular consequence: missense variant. On other transcripts: 5 prime UTR variant (1), non-coding transcript variant (2).
Genome position (GRCh38, 1-based): chr13:110,687,757, T>G on the plus strand (A>C on the coding strand, the complement: CARS2 is on the minus strand). VCF-style: chr13-110687757-T-G. GRCh37 (hg19) VCF-style: chr13-111340104-T-G.
Other names: c.-465A>C (NM_001352252.2); c.535A>C, p.Ile179Leu (NM_001352253.3); short protein forms I179L.
Identifiers: ClinVar variation 1040925 (VCV001040925.8), dbSNP rs751237567, ClinGen allele CA7052214.
Genomic context (GRCh38, chr13:110,687,757, plus strand): 5'-AAAAAAAAAGAACATAAACCCTACCTTTTGCCGTTGAATAAGCGTTCCCACGAGCAATGA[T>G]TCCTTCAATGAAAGAAATTATCTGAGGAATATTTTCGGTTACCCTCAGGTACACCGTGGG-3'
Protein context (NP_078813.1, residues 169-189): IPQIISFIEG[Ile179Leu]IARGNAYSTA